The following is an entry in ClinVar:

NM_153704.6(TMEM67):c.574T>A (p.Leu192Ile)

Gene: TMEM67 (transmembrane protein 67; plus strand). Cytogenetic location: 8q22.1.
Variant type: single nucleotide variant.
Coding change: c.574T>A on transcript NM_153704.6 (MANE Select); coding-DNA position 574, T replaced by A.
Protein change: p.Leu192Ile; replaces leucine 192 with isoleucine.
Molecular consequence: missense variant. On other transcripts: non-coding transcript variant (1).
Genome position (GRCh38, 1-based): chr8:93,765,473, T>A. VCF-style: chr8-93765473-T-A. GRCh37 (hg19) VCF-style: chr8-94777701-T-A.
Other names: c.331T>A, p.Leu111Ile (NM_001142301.1); short protein forms L111I, L192I.
Identifiers: ClinVar variation 3347645 (VCV003347645.1).

ClinVar aggregate classification (germline): Uncertain significance (0 of 4 stars; one submission).

Conditions:
TMEM67-related disorder. Also called: TMEM67-related condition; TMEM67-related disorders. Identifiers: MedGen CN239423.

Submission:

PreventionGenetics, part of Exact Sciences
Classification: Uncertain significance for TMEM67-related condition. Last evaluated: 2024-08-24. Review status: no assertion criteria provided. Collection method: clinical testing. Allele origin: germline.
Comment: The TMEM67 c.574T>A variant is predicted to result in the amino acid substitution p.Leu192Ile. To our knowledge, this variant has not been reported in the literature or in a large population database, indicating this variant is rare. At this time, the clinical significance of this variant is uncertain due to the absence of conclusive functional and genetic evidence.